The following is an entry in ClinVar:

ClinVar aggregate classification (germline): Uncertain significance (1 of 4 stars; one submission).

Allele frequency attached by ClinVar (database versions not stated): gnomAD exomes below 0.00001.
gnomAD v4.1: 4 of 1,614,180 alleles (0.00025%); highest among the groups gnomAD compares: African/African-American, 0.0053%; no homozygotes.

Submission:

GeneDx
Classification: Uncertain significance. Last evaluated: 2023-04-15. Review status: criteria provided, single submitter. Criteria: GeneDx Variant Classification Process June 2021. Collection method: clinical testing. Allele origin: germline. Affected: yes.
Comment: Not observed at significant frequency in large population cohorts (gnomAD); In silico analysis supports that this missense variant does not alter protein structure/function; Has not been previously published as pathogenic or benign to our knowledge

NM_001457.4(FLNB):c.6902A>G (p.Lys2301Arg)

Gene: FLNB (filamin B; plus strand). Cytogenetic location: 3p14.3.
Variant type: single nucleotide variant.
Coding change: c.6902A>G on transcript NM_001457.4 (MANE Select); coding-DNA position 6902, A replaced by G.
Protein change: p.Lys2301Arg; replaces lysine 2301 with arginine.
Molecular consequence: missense variant.
Genome position (GRCh38, 1-based): chr3:58,159,567, A>G. VCF-style: chr3-58159567-A-G. GRCh37 (hg19) VCF-style: chr3-58145294-A-G.
Other names: c.6995A>G, p.Lys2332Arg (NM_001164317.2); c.6869A>G, p.Lys2290Arg (NM_001164318.2); c.6830A>G, p.Lys2277Arg (NM_001164319.2); short protein forms K2277R, K2290R, K2301R, K2332R.
Identifiers: ClinVar variation 2663696 (VCV002663696.1), dbSNP rs2471241954, ClinGen allele CA353363552.